The following is an entry in ClinVar:

NM_000059.4(BRCA2):c.919_920insT (p.Ser307fs)

Gene: BRCA2 (BRCA2 DNA repair associated; plus strand). Cytogenetic location: 13q13.1.
Variant type: Insertion.
Coding change: c.919_920insT on transcript NM_000059.4 (MANE Select); coding-DNA positions 919 to 920, T inserted.
Protein change: p.Ser307fs; shifts the reading frame from serine 307.
Molecular consequence: frameshift variant.
Genome position: GRCh38 VCF-style: chr13-32332397-A-AT. GRCh37 (hg19) VCF-style: chr13-32906534-A-AT.
Other names: 1147insT; short protein forms S307fs.
Identifiers: ClinVar variation 267145 (VCV000267145.5), dbSNP rs886040824, ClinGen allele CA10589059.

ClinVar aggregate classification (germline): Pathogenic. Review status: reviewed by expert panel (3 of 4 stars). 2 submissions from 2 submitters: Pathogenic (1). 1 of the submissions does not count toward it. Last evaluated 2016-10-18.

Conditions:
Breast-ovarian cancer, familial, susceptibility to, 2 (BROVCA2). Also called: BRCA2 Hereditary Breast and Ovarian Cancer. Identifiers: Orphanet 145, MedGen C2675520, MONDO:0012933, OMIM 612555. Disease mechanism: loss of function.

Submissions (2):

Evidence-based Network for the Interpretation of Germline Mutant Alleles (ENIGMA)
Classification: Pathogenic for Breast-ovarian cancer, familial, susceptibility to, 2. Last evaluated: 2016-10-18. Review status: reviewed by expert panel. Criteria: ENIGMA BRCA1/2 Classification Criteria (2015). Collection method: curation. Allele origin: germline.
Comment: Variant allele predicted to encode a truncated non-functional protein.

Consortium of Investigators of Modifiers of BRCA1/2 (CIMBA), c/o University of Cambridge
Classification: Pathogenic for Breast-ovarian cancer, familial, susceptibility to, 2. Last evaluated: 2015-10-02. Review status: criteria provided, single submitter. Criteria: CIMBA Mutation Classification guidelines May 2016. Collection method: clinical testing. Allele origin: germline. Not counted in ClinVar's aggregate classification.